The following is an entry in ClinVar:

ClinVar aggregate classification (germline): Likely pathogenic (1 of 4 stars; one submission).

Conditions:
X-linked Alport syndrome (ATS1). Also called: NEPHROPATHY AND DEAFNESS, X-LINKED; COL4A5-Related Nephropathy. Identifiers: Orphanet 63, Orphanet 88917, MedGen C4746986, MONDO:0010520, OMIM 301050.

Submission:

Myriad Genetics, Inc.
Classification: Likely pathogenic for X-linked Alport syndrome. Last evaluated: 2021-12-07. Review status: criteria provided, single submitter. Criteria: Myriad Women's Health Autosomal Recessive and X-Linked Classification Criteria (2021). Collection method: clinical testing. Allele origin: unknown.
Comment: NM_000495.4(COL4A5):c.4193T>A(L1398*) is expected to be pathogenic in the context of X-linked Alport syndrome. This variant is predicted to lead to an abnormal or absent protein product due to the creation of a premature termination codon in COL4A5, a gene where loss-of-function variants are known to be pathogenic. Please note: this variant was assessed in the context of healthy population screening.

NM_033380.3(COL4A5):c.4211T>A (p.Leu1404Ter)

Gene: COL4A5 (collagen type IV alpha 5 chain; plus strand). Cytogenetic location: Xq22.3.
Variant type: single nucleotide variant.
Coding change: c.4211T>A on transcript NM_033380.3 (MANE Select); coding-DNA position 4211, T replaced by A.
Protein change: p.Leu1404Ter; replaces leucine 1404 with a stop codon.
Molecular consequence: nonsense.
Genome position (GRCh38, 1-based): chrX:108,681,883, T>A. VCF-style: chrX-108681883-T-A. GRCh37 (hg19) VCF-style: chrX-107925113-T-A.
Other names: c.4193T>A, p.Leu1398Ter (NM_000495.5); short protein forms L1398*, L1404*.
Identifiers: ClinVar variation 1725787 (VCV001725787.2), dbSNP rs2524617057, ClinGen allele CA413852485.